The following is an entry in ClinVar:

NM_001378183.1(PIEZO2):c.6895G>A (p.Val2299Met)

Gene: PIEZO2 (piezo type mechanosensitive ion channel component 2; minus strand). Cytogenetic location: 18p11.22.
Variant type: single nucleotide variant.
Coding change: c.6895G>A on transcript NM_001378183.1 (MANE Select); coding-DNA position 6895, G replaced by A.
Protein change: p.Val2299Met; replaces valine 2299 with methionine.
Molecular consequence: missense variant.
Genome position (GRCh38, 1-based): chr18:10,696,472, C>T on the plus strand (G>A on the coding strand, the complement: PIEZO2 is on the minus strand). VCF-style: chr18-10696472-C-T. GRCh37 (hg19) VCF-style: chr18-10696470-C-T.
Other names: c.6631G>A, p.Val2211Met (NM_001410871.1); c.6556G>A, p.Val2186Met (NM_022068.4); short protein forms V2299M, V2211M, V2186M.
Identifiers: ClinVar variation 2898194 (VCV002898194.3), dbSNP rs551918181, ClinGen allele CA8892145.
Genomic context (GRCh38, chr18:10,696,472, plus strand): 5'-AGACAATGATGATGAAGTCCACAGTGTCAGCCAGGAACATGAGTACATACACGTCAGTCA[C>T]GGCGCTATACTCCGGGTGGATGAGGTTGTAAAAGAACTGTTTGATGGGCACATAGATCTC-3'
Protein context (NP_001365112.1, residues 2289-2309): YNLIHPEYSA[Val2299Met]TDVYVLMFLA

ClinVar aggregate classification (germline): Uncertain significance (1 of 4 stars; one submission).

Allele frequency attached by ClinVar (database versions not stated): gnomAD 0.00004; TOPMed 0.00005; ExAC 0.00007; 1000 Genomes Project 30x 0.00016; 1000 Genomes Project 0.00020.
gnomAD v4.1: 32 of 1,614,140 alleles (0.002%); highest among the groups gnomAD compares: East Asian, 0.02%; no homozygotes.

Submission:

Labcorp Genetics (formerly Invitae), Labcorp
Classification: Uncertain significance. Last evaluated: 2023-01-01. Review status: criteria provided, single submitter. Criteria: Invitae Variant Classification Sherloc (09022015). Collection method: clinical testing. Allele origin: germline.
Comment: In summary, the available evidence is currently insufficient to determine the role of this variant in disease. Therefore, it has been classified as a Variant of Uncertain Significance. Advanced modeling of protein sequence and biophysical properties (such as structural, functional, and spatial information, amino acid conservation, physicochemical variation, residue mobility, and thermodynamic stability) performed at Invitae indicates that this missense variant is expected to disrupt PIEZO2 protein function. This variant has not been reported in the literature in individuals affected with PIEZO2-related conditions. This variant is present in population databases (rs551918181, gnomAD 0.05%). This sequence change replaces valine, which is neutral and non-polar, with methionine, which is neutral and non-polar, at codon 2186 of the PIEZO2 protein (p.Val2186Met).